The following is an entry in ClinVar:

ClinVar aggregate classification (germline): Uncertain significance (1 of 4 stars; one submission).

Conditions:
COG1 congenital disorder of glycosylation (CDG2G). Also called: CONGENITAL DISORDER OF GLYCOSYLATION, TYPE IIg; CDG IIg; CDGII/COG1 CEREBROCOSTOMANDIBULAR-LIKE SYNDROME. Identifiers: Orphanet 263508, MedGen C2931011, MONDO:0012637, OMIM 611209.

Allele frequency attached by ClinVar (database versions not stated): gnomAD 0.00001; TOPMed 0.00001; ExAC 0.00002; gnomAD exomes 0.00004.
gnomAD v4.1: 63 of 1,614,072 alleles (0.0039%); highest among the groups gnomAD compares: Non-Finnish European, 0.0051%; no homozygotes.

Submission:

Labcorp Genetics (formerly Invitae), Labcorp
Classification: Uncertain significance for COG1 congenital disorder of glycosylation. Last evaluated: 2022-04-15. Review status: criteria provided, single submitter. Criteria: Invitae Variant Classification Sherloc (09022015). Collection method: clinical testing. Allele origin: germline.
Comment: This sequence change replaces phenylalanine, which is neutral and non-polar, with serine, which is neutral and polar, at codon 852 of the COG1 protein (p.Phe852Ser). This variant is present in population databases (rs771179981, gnomAD 0.004%). This variant has not been reported in the literature in individuals affected with COG1-related conditions. Algorithms developed to predict the effect of missense changes on protein structure and function (SIFT, PolyPhen-2, Align-GVGD) all suggest that this variant is likely to be disruptive. In summary, the available evidence is currently insufficient to determine the role of this variant in disease. Therefore, it has been classified as a Variant of Uncertain Significance.

NM_018714.3(COG1):c.2555T>C (p.Phe852Ser)

Gene: COG1 (component of oligomeric golgi complex 1; plus strand). Cytogenetic location: 17q25.1.
Variant type: single nucleotide variant.
Coding change: c.2555T>C on transcript NM_018714.3 (MANE Select); coding-DNA position 2555, T replaced by C.
Protein change: p.Phe852Ser; replaces phenylalanine 852 with serine.
Molecular consequence: missense variant.
Genome position (GRCh38, 1-based): chr17:73,206,198, T>C. VCF-style: chr17-73206198-T-C. GRCh37 (hg19) VCF-style: chr17-71202337-T-C.
Other names: short protein forms F852S.
Identifiers: ClinVar variation 1980438 (VCV001980438.1), dbSNP rs771179981, ClinGen allele CA8740511.